The following is an entry in ClinVar:

NM_001165963.4(SCN1A):c.4013A>C (p.Asn1338Thr)

Genes: SCN1A (sodium voltage-gated channel alpha subunit 1; minus strand), LOC102724058 (uncharacterized LOC102724058; plus strand). Cytogenetic location: 2q24.3.
Variant type: single nucleotide variant.
Coding change: c.4013A>C on transcript NM_001165963.4 (MANE Select); coding-DNA position 4013, A replaced by C.
Protein change: p.Asn1338Thr; replaces asparagine 1338 with threonine.
Molecular consequence: missense variant. On other transcripts: non-coding transcript variant (1).
Genome position (GRCh38, 1-based): chr2:166,002,743, T>G on the plus strand (A>C on the coding strand, the complement: SCN1A is on the minus strand). VCF-style: chr2-166002743-T-G. GRCh37 (hg19) VCF-style: chr2-166859253-T-G.
Other names: c.3929A>C, p.Asn1310Thr (NM_001165964.3, NM_001353957.2, NM_001353958.2); c.4013A>C, p.Asn1338Thr (NM_001202435.3, NM_001353948.2); c.3980A>C, p.Asn1327Thr (NM_001353949.2, NM_001353950.2, NM_001353951.2 and 2 more transcripts); c.3977A>C, p.Asn1326Thr (NM_001353954.2, NM_001353955.2); c.3926A>C, p.Asn1309Thr (NM_001353960.2); c.1571A>C, p.Asn524Thr (NM_001353961.2); short protein forms N1327T, N1338T, N524T, N1309T, N1310T, N1326T.
Identifiers: ClinVar variation 208778 (VCV000208778.5), dbSNP rs797044952, ClinGen allele CA204888.
Genomic context (GRCh38, chr2:166,002,743, plus strand): 5'-CAGAATATAAGACAAACCAGAAGCACATTCATGATGGATGGAATTGCTCCTAAAAGGGCA[T>G]TCACAACCACCTAATACACAAATGGAAAAAAAGAAAAGTCAGAATTCTTATCTGTTAATA-3'
Protein context (NP_001159435.1, residues 1328-1348): SRFEGMRVVV[Asn1338Thr]ALLGAIPSIM

ClinVar aggregate classification (germline): Pathogenic (1 of 4 stars; one submission).

Conditions:
Inborn genetic diseases. Identifiers: MedGen C0950123, MeSH D030342.

Submission:

Ambry Genetics
Classification: Pathogenic for Inborn genetic diseases. Last evaluated: 2012-12-12. Review status: criteria provided, single submitter. Criteria: Ambry Autosomal Dominant and X-Linked criteria (10/2015). Collection method: clinical testing. Allele origin: germline. Observed: 1 variant allele.
Comment: Please refer to Table 3 in the supplementary results. This variant has not been detected in conjunction with a pathogenic mutation to date. This amino acid position is highly conserved in available vertebrate species.This alteration is predicted to be probably damaging with a score of 0.992 (sensitivity: 0.49; specificity: 0.95)This alteration is predicted to be deleterious with a score of 0.000 (conservation: 2.84)